The following is an entry in ClinVar:

ClinVar aggregate classification (germline): Benign/Likely benign. Review status: criteria provided, multiple submitters, no conflicts (2 of 4 stars). 4 submissions from 4 submitters: Benign (1); Likely benign (3). Last evaluated 2024-09-20.

Conditions:
Hereditary cancer-predisposing syndrome. Also called: Hereditary neoplastic syndrome; Tumor predisposition; Neoplastic Syndromes, Hereditary; Hereditary Cancer Syndrome. Identifiers: Orphanet 140162, MedGen C0027672, MeSH D009386, MONDO:0015356.
Breast and/or ovarian cancer. Identifiers: MedGen CN221562.
Hereditary diffuse gastric adenocarcinoma (HDGC). Also called: DIFFUSE GASTRIC AND LOBULAR BREAST CANCER SYNDROME. Identifiers: Orphanet 26106, MedGen C1708349, MONDO:0007648, OMIM 137215.

Allele frequency attached by ClinVar (database versions not stated): gnomAD exomes below 0.00001; TOPMed below 0.00001; gnomAD 0.00001.
gnomAD v4.1: 4 of 1,613,890 alleles (0.00025%); highest among the groups gnomAD compares: South Asian, 0.0011%; no homozygotes.

Submissions (4):

Myriad Genetics, Inc.
Classification: Benign for Hereditary diffuse gastric adenocarcinoma. Last evaluated: 2024-09-20. Review status: criteria provided, single submitter. Criteria: Myriad Autosomal Dominant, Autosomal Recessive and X-Linked Classification Criteria (2023). Collection method: clinical testing. Allele origin: unknown.
Comment: This variant is considered benign. This variant is a silent/synonymous amino acid change and it is not expected to impact splicing.

Ambry Genetics
Classification: Likely benign for Hereditary cancer-predisposing syndrome. Last evaluated: 2022-06-15. Review status: criteria provided, single submitter. Criteria: Ambry Variant Classification Scheme 2023. Collection method: clinical testing. Allele origin: germline.

Labcorp Genetics (formerly Invitae), Labcorp
Classification: Likely benign for Hereditary diffuse gastric adenocarcinoma. Last evaluated: 2020-11-14. Review status: criteria provided, single submitter. Criteria: Invitae Variant Classification Sherloc (09022015). Collection method: clinical testing. Allele origin: germline.

CHEO Genetics Diagnostic Laboratory, Children's Hospital of Eastern Ontario
Classification: Likely benign for Breast and/or ovarian cancer. Last evaluated: 2020-06-16. Review status: criteria provided, single submitter. Criteria: ACMG Guidelines, 2015. Collection method: clinical testing. Allele origin: germline.

NM_004360.5(CDH1):c.2220C>G (p.Pro740=)

Gene: CDH1 (cadherin 1; plus strand). Cytogenetic location: 16q22.1.
Variant type: single nucleotide variant.
Coding change: c.2220C>G on transcript NM_004360.5 (MANE Select); coding-DNA position 2220, C replaced by G.
Protein change: p.Pro740=; no amino-acid change (proline 740 retained).
Molecular consequence: synonymous variant.
Genome position (GRCh38, 1-based): chr16:68,828,229, C>G. VCF-style: chr16-68828229-C-G. GRCh37 (hg19) VCF-style: chr16-68862132-C-G.
Other names: c.2037C>G, p.Pro679= (NM_001317184.2); c.672C>G, p.Pro224= (NM_001317185.2); c.255C>G, p.Pro85= (NM_001317186.2).
Identifiers: ClinVar variation 1142652 (VCV001142652.13), dbSNP rs1961376847, ClinGen allele CA496157153.
Genomic context (GRCh38, chr16:68,828,229, plus strand): 5'-CCCAGTTCTGATTCTGCTGCTCTTGCTGTTTCTTCGGAGGAGAGCGGTGGTCAAAGAGCC[C>G]TTACTGCCCCCAGAGGATGACACCCGGGACAACGTTTATTACTATGATGAAGAAGGAGGC-3'
Protein context (NP_004351.1, residues 730-750): FLRRRAVVKE[Pro740=]LLPPEDDTRD